The following is an entry in ClinVar:

NM_001291303.3(FAT4):c.4664C>T (p.Pro1555Leu)

Gene: FAT4 (FAT atypical cadherin 4; plus strand). Cytogenetic location: 4q28.1.
Variant type: single nucleotide variant.
Coding change: c.4664C>T on transcript NM_001291303.3 (MANE Select); coding-DNA position 4664, C replaced by T.
Protein change: p.Pro1555Leu; replaces proline 1555 with leucine.
Molecular consequence: missense variant.
Genome position (GRCh38, 1-based): chr4:125,321,075, C>T. VCF-style: chr4-125321075-C-T. GRCh37 (hg19) VCF-style: chr4-126242230-C-T.
Other names: c.4664C>T, p.Pro1555Leu (NM_001291285.3, NM_024582.6); short protein forms P1555L.
Identifiers: ClinVar variation 1714429 (VCV001714429.3), dbSNP rs2125945465, ClinGen allele CA358127395.

ClinVar aggregate classification (germline): Uncertain significance (1 of 4 stars; one submission).

Submission:

Labcorp Genetics (formerly Invitae), Labcorp
Classification: Uncertain significance. Last evaluated: 2022-07-23. Review status: criteria provided, single submitter. Criteria: Invitae Variant Classification Sherloc (09022015). Collection method: clinical testing. Allele origin: germline.
Comment: This sequence change replaces proline, which is neutral and non-polar, with leucine, which is neutral and non-polar, at codon 1555 of the FAT4 protein (p.Pro1555Leu). This variant is not present in population databases (gnomAD no frequency). This variant has not been reported in the literature in individuals affected with FAT4-related conditions. Advanced modeling of protein sequence and biophysical properties (such as structural, functional, and spatial information, amino acid conservation, physicochemical variation, residue mobility, and thermodynamic stability) performed at Invitae indicates that this missense variant is not expected to disrupt FAT4 protein function. In summary, the available evidence is currently insufficient to determine the role of this variant in disease. Therefore, it has been classified as a Variant of Uncertain Significance.